The following is an entry in ClinVar:

NM_004260.4(RECQL4):c.3090C>A (p.Phe1030Leu)

Gene: RECQL4 (RecQ like helicase 4; minus strand). Cytogenetic location: 8q24.3.
Variant type: single nucleotide variant.
Coding change: c.3090C>A on transcript NM_004260.4 (MANE Select); coding-DNA position 3090, C replaced by A.
Protein change: p.Phe1030Leu; replaces phenylalanine 1030 with leucine.
Molecular consequence: missense variant.
Genome position (GRCh38, 1-based): chr8:144,512,290, G>T on the plus strand (C>A on the coding strand, the complement: RECQL4 is on the minus strand). VCF-style: chr8-144512290-G-T. GRCh37 (hg19) VCF-style: chr8-145737673-G-T.
Other names: short protein forms F1030L.
Identifiers: ClinVar variation 942213 (VCV000942213.6), dbSNP rs767876394, ClinGen allele CA372670728.
Genomic context (GRCh38, chr8:144,512,290, plus strand): 5'-CTGGTCCTTCTCCTCAGCGGTCAAGTCCCCCGGGCTGCGAAGGTGGAAGGCCAGCTCACT[G>T]AACTCCACAAGCACCCCTGTCCCACGCCGCACACCTGCCGGAAAGCATGTCAGATGCAGG-3'
Protein context (NP_004251.4, residues 1020-1040): VRRGTGVLVE[Phe1030Leu]SELAFHLRSP

ClinVar aggregate classification (germline): Uncertain significance (1 of 4 stars; one submission).

Conditions:
Baller-Gerold syndrome (BGS). Also called: CRANIOSYNOSTOSIS WITH RADIAL DEFECTS. Identifiers: Orphanet 1225, MedGen C0265308, MONDO:0009039, OMIM 218600.

Submission:

Labcorp Genetics (formerly Invitae), Labcorp
Classification: Uncertain significance for Baller-Gerold syndrome. Last evaluated: 2022-08-09. Review status: criteria provided, single submitter. Criteria: Invitae Variant Classification Sherloc (09022015). Collection method: clinical testing. Allele origin: germline.
Comment: In summary, the available evidence is currently insufficient to determine the role of this variant in disease. Therefore, it has been classified as a Variant of Uncertain Significance. ClinVar contains an entry for this variant (Variation ID: 942213). This variant has not been reported in the literature in individuals affected with RECQL4-related conditions. This variant is not present in population databases (gnomAD no frequency). This sequence change replaces phenylalanine, which is neutral and non-polar, with leucine, which is neutral and non-polar, at codon 1030 of the RECQL4 protein (p.Phe1030Leu).